The following is an entry in ClinVar:

ClinVar aggregate classification (germline): Likely pathogenic (1 of 4 stars; one submission).

Submission:

GeneDx
Classification: Likely pathogenic. Last evaluated: 2012-09-20. Review status: criteria provided, single submitter. Criteria: GeneDx Variant Classification (06012015). Collection method: clinical testing. Allele origin: germline. Affected: yes.
Comment: c.1897+4 A>C: IVS19+4 A>C in intron 19 of the MYBPC3 gene (NM_000256.3)The c.1897+4 A>C variant in the MYBPC3 gene has not been reported previously as a disease-causing mutation, nor as a benign polymorphism, to our knowledge. Two splice prediction algorithms indicate that c.1897+4 A>C either destroys or significantly weakens the natural splice donor site of intron 19 in the MYBPC3 gene, suggesting this variant causes abnormal gene splicing. In addition, the NHLBI ESP Exome Variant Server reports c.1897+4 A>C was not observed in approximately 6500 samples from individuals of European and African American backgrounds, indicating it is not a common benign variant in these populations. A similar splice site mutation (c.1624+4 A>T) in the MYBPC3 gene has been reported in association with cardiomyopathy. In summary, c.1897+4 A>C in the MYBPC3 gene is a good candidate for a disease-causing mutation. Mutations in the MYBPC3 gene have been reported in 20%-30% of patients with autosomal dominant familial hypertrophic cardiomyopathy, and have been reported less frequently in patients with autosomal dominant familial dilated cardiomyopathy (Cirino A et al., 2011; Hershberger R et al., 2009). The variant is found in HCM panel(s).

NM_000256.3(MYBPC3):c.1897+4A>C

Gene: MYBPC3 (myosin binding protein C3; minus strand). Cytogenetic location: 11p11.2.
Variant type: single nucleotide variant.
Coding change: c.1897+4A>C on transcript NM_000256.3 (MANE Select); 4 bases into the intron after coding-DNA position 1897, A replaced by C.
Genome position (GRCh38, 1-based): chr11:47,341,134, T>G on the plus strand (A>C on the coding strand, the complement: MYBPC3 is on the minus strand). VCF-style: chr11-47341134-T-G. GRCh37 (hg19) VCF-style: chr11-47362685-T-G.
Other names: c.1897+4A>C (LRG_386t1).
Identifiers: ClinVar variation 180957 (VCV000180957.2), dbSNP rs730880557, ClinGen allele CA011444.